The following is an entry in ClinVar:

NM_001365951.3(KIF1B):c.4196T>C (p.Val1399Ala)

Gene: KIF1B (kinesin family member 1B; plus strand). Cytogenetic location: 1p36.22.
Variant type: single nucleotide variant.
Coding change: c.4196T>C on transcript NM_001365951.3 (MANE Select); coding-DNA position 4196, T replaced by C.
Protein change: p.Val1399Ala; replaces valine 1399 with alanine.
Molecular consequence: missense variant.
Genome position (GRCh38, 1-based): chr1:10,361,717, T>C. VCF-style: chr1-10361717-T-C. GRCh37 (hg19) VCF-style: chr1-10421775-T-C.
Other names: c.4196T>C, p.Val1399Ala (NM_001365952.1); c.4058T>C, p.Val1353Ala (NM_015074.3); short protein forms V1353A, V1399A.
Identifiers: ClinVar variation 1005738 (VCV001005738.12), dbSNP rs147043919, ClinGen allele CA582015.
Genomic context (GRCh38, chr1:10,361,717, plus strand): 5'-TGCACTTCATCAGCACCTACCCTGTCTGCTTTCAGCTGGATCATTGCATCCAGCCGGCTG[T>C]CATCACCAAGGATGTGTGCATGGTCTTCTACTCCCGAGATGCCAAGATCTCACCACCACG-3'
Protein context (NP_001352880.1, residues 1389-1409): LELDHCIQPA[Val1399Ala]ITKDVCMVFY

ClinVar aggregate classification (germline): Uncertain significance. Review status: criteria provided, multiple submitters, no conflicts (2 of 4 stars). 3 submissions from 3 submitters: Uncertain significance (3). Last evaluated 2026-01-21.

Conditions:
Charcot-Marie-Tooth disease type 2. Also called: Charcot-Marie-Tooth type 2. Identifiers: Orphanet 64746, MedGen C0270914, MONDO:0018993.

Allele frequency attached by ClinVar (database versions not stated): ESP Exome Variant Server 0.00008; gnomAD exomes 0.00002 and below 0.00001; TOPMed below 0.00001; ExAC 0.00001.
gnomAD v4.1: 33 of 1,614,084 alleles (0.002%); highest among the groups gnomAD compares: Non-Finnish European, 0.0027%; no homozygotes.

Submissions (3):

Labcorp Genetics (formerly Invitae), Labcorp
Classification: Uncertain significance for Charcot-Marie-Tooth disease type 2. Last evaluated: 2026-01-21. Review status: criteria provided, single submitter. Criteria: Invitae Variant Classification Sherloc (09022015). Collection method: clinical testing. Allele origin: germline.
Comment: This sequence change replaces valine, which is neutral and non-polar, with alanine, which is neutral and non-polar, at codon 1353 of the KIF1B protein (p.Val1353Ala). This variant is not present in population databases (gnomAD no frequency). This variant has not been reported in the literature in individuals affected with KIF1B-related conditions. ClinVar contains an entry for this variant (Variation ID: 1005738). An algorithm developed to predict the effect of missense changes on protein structure and function (PolyPhen-2) suggests that this variant is likely to be tolerated. In summary, the available evidence is currently insufficient to determine the role of this variant in disease. Therefore, it has been classified as a Variant of Uncertain Significance.

Ambry Genetics
Classification: Uncertain significance. Last evaluated: 2023-12-21. Review status: criteria provided, single submitter. Criteria: Ambry Variant Classification Scheme 2023. Collection method: clinical testing. Allele origin: germline.
Comment: The p.V1353A variant (also known as c.4058T>C), located in coding exon 37 of the KIF1B gene, results from a T to C substitution at nucleotide position 4058. The valine at codon 1353 is replaced by alanine, an amino acid with similar properties. This amino acid position is well conserved in available vertebrate species. In addition, the in silico prediction for this alteration is inconclusive. Since supporting evidence is limited at this time, the clinical significance of this alteration remains unclear.

Breakthrough Genomics
Classification: Uncertain significance. Review status: criteria provided, single submitter. Criteria: ACMG Guidelines, 2015. Collection method: not provided. Allele origin: germline. Inheritance: Autosomal dominant inheritance. Affected: yes.